The following is an entry in ClinVar:

NM_000395.3(CSF2RB):c.1245G>C (p.Arg415Ser)

Gene: CSF2RB (colony stimulating factor 2 receptor subunit beta; plus strand). Cytogenetic location: 22q12.3.
Variant type: single nucleotide variant.
Coding change: c.1245G>C on transcript NM_000395.3 (MANE Select); coding-DNA position 1245, G replaced by C.
Protein change: p.Arg415Ser; replaces arginine 415 with serine.
Molecular consequence: missense variant.
Genome position (GRCh38, 1-based): chr22:36,933,924, G>C. VCF-style: chr22-36933924-G-C. GRCh37 (hg19) VCF-style: chr22-37329966-G-C.
Other names: c.1263G>C, p.Arg421Ser (NM_001410827.1); short protein forms R421S, R415S.
Identifiers: ClinVar variation 3659390 (VCV003659390.2).

ClinVar aggregate classification (germline): Uncertain significance (1 of 4 stars; one submission).

Submission:

Labcorp Genetics (formerly Invitae), Labcorp
Classification: Uncertain significance. Last evaluated: 2024-07-19. Review status: criteria provided, single submitter. Criteria: Invitae Variant Classification Sherloc (09022015). Collection method: clinical testing. Allele origin: germline.
Comment: This sequence change replaces arginine, which is basic and polar, with serine, which is neutral and polar, at codon 415 of the CSF2RB protein (p.Arg415Ser). This variant is not present in population databases (gnomAD no frequency). This variant has not been reported in the literature in individuals affected with CSF2RB-related conditions. Advanced modeling of protein sequence and biophysical properties (such as structural, functional, and spatial information, amino acid conservation, physicochemical variation, residue mobility, and thermodynamic stability) has been performed at Invitae for this missense variant, however the output from this modeling did not meet the statistical confidence thresholds required to predict the impact of this variant on CSF2RB protein function. In summary, the available evidence is currently insufficient to determine the role of this variant in disease. Therefore, it has been classified as a Variant of Uncertain Significance.